The following is an entry in ClinVar:

NM_001369369.1(FOXN1):c.1618G>A (p.Asp540Asn)

Gene: FOXN1 (forkhead box N1; plus strand). Cytogenetic location: 17q11.2.
Variant type: single nucleotide variant.
Coding change: c.1618G>A on transcript NM_001369369.1 (MANE Select); coding-DNA position 1618, G replaced by A.
Protein change: p.Asp540Asn; replaces aspartic acid 540 with asparagine.
Molecular consequence: missense variant.
Genome position (GRCh38, 1-based): chr17:28,535,189, G>A. VCF-style: chr17-28535189-G-A. GRCh37 (hg19) VCF-style: chr17-26862207-G-A.
Other names: c.1618G>A, p.Asp540Asn (NM_003593.3); short protein forms D540N.
Identifiers: ClinVar variation 536428 (VCV000536428.39), dbSNP rs181483148, ClinGen allele CA8459567.

ClinVar aggregate classification (germline): Conflicting classifications of pathogenicity. Review status: criteria provided, conflicting classifications (1 of 4 stars). 4 submissions from 4 submitters: Uncertain significance (3); Likely benign (1). Last evaluated 2025-01-20.

Conditions:
T-cell immunodeficiency, congenital alopecia, and nail dystrophy. Also called: Congenital alopecia and nail dystrophy associated with severe functional T-cell immunodeficiency; Pignata Guarino syndrome. Identifiers: Orphanet 169095, MedGen C1866426, MONDO:0011132, OMIM 601705.

Allele frequency attached by ClinVar (database versions not stated): gnomAD 0.00013; gnomAD exomes 0.00016 and 0.00027; TOPMed 0.00017; ExAC 0.00019; ESP Exome Variant Server 0.00023; 1000 Genomes Project 30x 0.00031; 1000 Genomes Project 0.00040.
gnomAD v4.1: 418 of 1,613,174 alleles (0.026%); highest among the groups gnomAD compares: Non-Finnish European, 0.034%; no homozygotes.

Submissions (4):

Labcorp Genetics (formerly Invitae), Labcorp
Classification: Uncertain significance for T-cell immunodeficiency, congenital alopecia, and nail dystrophy. Last evaluated: 2025-01-20. Review status: criteria provided, single submitter. Criteria: Invitae Variant Classification Sherloc (09022015). Collection method: clinical testing. Allele origin: germline.
Comment: This sequence change replaces aspartic acid, which is acidic and polar, with asparagine, which is neutral and polar, at codon 540 of the FOXN1 protein (p.Asp540Asn). This variant is present in population databases (rs181483148, gnomAD 0.03%). This variant has not been reported in the literature in individuals affected with FOXN1-related conditions. ClinVar contains an entry for this variant (Variation ID: 536428). Invitae Evidence Modeling of protein sequence and biophysical properties (such as structural, functional, and spatial information, amino acid conservation, physicochemical variation, residue mobility, and thermodynamic stability) indicates that this missense variant is not expected to disrupt FOXN1 protein function with a negative predictive value of 80%. In summary, the available evidence is currently insufficient to determine the role of this variant in disease. Therefore, it has been classified as a Variant of Uncertain Significance.

CeGaT Center for Human Genetics Tuebingen
Classification: Likely benign. Last evaluated: 2023-02-01. Review status: criteria provided, single submitter. Criteria: CeGaT Center For Human Genetics Tuebingen Variant Classification Criteria Version 2. Collection method: clinical testing. Allele origin: germline. Affected: yes. Observed: 1 variant allele.
Comment: FOXN1: BP2

Institute for Clinical Genetics, University Hospital TU Dresden, University Hospital TU Dresden
Classification: Uncertain significance. Last evaluated: 2021-11-03. Review status: criteria provided, single submitter. Criteria: ACMG Guidelines, 2015. Collection method: clinical testing. Allele origin: germline.

Illumina Laboratory Services, Illumina
Classification: Uncertain significance for T-cell immunodeficiency, congenital alopecia, and nail dystrophy. Last evaluated: 2018-01-12. Review status: criteria provided, single submitter. Criteria: ICSL Variant Classification Criteria 13 December 2019. Collection method: clinical testing. Allele origin: germline.